The following is an entry in ClinVar:

ClinVar aggregate classification (germline): Benign/Likely benign. Review status: criteria provided, multiple submitters, no conflicts (2 of 4 stars). 3 submissions from 3 submitters: Benign (1); Likely benign (2). Last evaluated 2024-09-12.

Conditions:
Hereditary cancer-predisposing syndrome. Also called: Neoplastic Syndromes, Hereditary; Hereditary neoplastic syndrome; Tumor predisposition; Hereditary Cancer Syndrome. Identifiers: Orphanet 140162, MedGen C0027672, MeSH D009386, MONDO:0015356.
Hereditary diffuse gastric adenocarcinoma (HDGC). Also called: DIFFUSE GASTRIC AND LOBULAR BREAST CANCER SYNDROME. Identifiers: Orphanet 26106, MedGen C1708349, MONDO:0007648, OMIM 137215.

Allele frequency attached by ClinVar (database versions not stated): gnomAD exomes below 0.00001; TOPMed 0.00001.
gnomAD v4.1: 1 of 1,614,034 alleles (0.000062%); highest among the groups gnomAD compares: Middle Eastern, 0.016%; no homozygotes.

Submissions (3):

Myriad Genetics, Inc.
Classification: Benign for Hereditary diffuse gastric adenocarcinoma. Last evaluated: 2024-09-12. Review status: criteria provided, single submitter. Criteria: Myriad Autosomal Dominant, Autosomal Recessive and X-Linked Classification Criteria (2023). Collection method: clinical testing. Allele origin: unknown.
Comment: This variant is considered benign. This variant is a silent/synonymous amino acid change and it is not expected to impact splicing.

Labcorp Genetics (formerly Invitae), Labcorp
Classification: Likely benign for Hereditary diffuse gastric adenocarcinoma. Last evaluated: 2022-05-18. Review status: criteria provided, single submitter. Criteria: Invitae Variant Classification Sherloc (09022015). Collection method: clinical testing. Allele origin: germline.

Ambry Genetics
Classification: Likely benign for Hereditary cancer-predisposing syndrome. Last evaluated: 2021-04-08. Review status: criteria provided, single submitter. Criteria: Ambry Variant Classification Scheme 2023. Collection method: clinical testing. Allele origin: germline.

NM_004360.5(CDH1):c.423A>G (p.Thr141=)

Gene: CDH1 (cadherin 1; plus strand). Cytogenetic location: 16q22.1.
Variant type: single nucleotide variant.
Coding change: c.423A>G on transcript NM_004360.5 (MANE Select); coding-DNA position 423, A replaced by G.
Protein change: p.Thr141=; no amino-acid change (threonine 141 retained).
Molecular consequence: synonymous variant. On other transcripts: 5 prime UTR variant (2).
Genome position (GRCh38, 1-based): chr16:68,808,459, A>G. VCF-style: chr16-68808459-A-G. GRCh37 (hg19) VCF-style: chr16-68842362-A-G.
Other names: c.423A>G, p.Thr141= (NM_001317184.2); c.-1193A>G (NM_001317185.2); c.-1397A>G (NM_001317186.2).
Identifiers: ClinVar variation 792730 (VCV000792730.13), dbSNP rs1597890499, ClinGen allele CA496392172.